The following is an entry in ClinVar:

NM_006389.5(HYOU1):c.1097C>T (p.Ala366Val)

Gene: HYOU1 (hypoxia up-regulated 1; minus strand). Cytogenetic location: 11q23.3.
Variant type: single nucleotide variant.
Coding change: c.1097C>T on transcript NM_006389.5 (MANE Select); coding-DNA position 1097, C replaced by T.
Protein change: p.Ala366Val; replaces alanine 366 with valine.
Molecular consequence: missense variant.
Genome position (GRCh38, 1-based): chr11:119,052,320, G>A on the plus strand (C>T on the coding strand, the complement: HYOU1 is on the minus strand). VCF-style: chr11-119052320-G-A. GRCh37 (hg19) VCF-style: chr11-118923032-G-A.
Other names: c.1097C>T, p.Ala366Val (NM_001130991.3, NM_001411041.1); short protein forms A366V.
Identifiers: ClinVar variation 2799785 (VCV002799785.3), dbSNP rs904478784, ClinGen allele CA229623084.

ClinVar aggregate classification (germline): Uncertain significance (1 of 4 stars; one submission).

Allele frequency attached by ClinVar (database versions not stated): gnomAD 0.00001; TOPMed 0.00002.
gnomAD v4.1: 2 of 1,614,078 alleles (0.00012%); highest among the groups gnomAD compares: Non-Finnish European, 0.00017%; no homozygotes.

Submission:

Labcorp Genetics (formerly Invitae), Labcorp
Classification: Uncertain significance. Last evaluated: 2023-11-06. Review status: criteria provided, single submitter. Criteria: Invitae Variant Classification Sherloc (09022015). Collection method: clinical testing. Allele origin: germline.
Comment: This sequence change replaces alanine, which is neutral and non-polar, with valine, which is neutral and non-polar, at codon 366 of the HYOU1 protein (p.Ala366Val). This variant is not present in population databases (gnomAD no frequency). This variant has not been reported in the literature in individuals affected with HYOU1-related conditions. An algorithm developed to predict the effect of missense changes on protein structure and function (PolyPhen-2) suggests that this variant is likely to be disruptive. In summary, the available evidence is currently insufficient to determine the role of this variant in disease. Therefore, it has been classified as a Variant of Uncertain Significance.